The following is an entry in ClinVar:

ClinVar aggregate classification (germline): Uncertain significance (1 of 4 stars; one submission).

Conditions:
Cardiovascular phenotype. Identifiers: MedGen CN230736.

Allele frequency attached by ClinVar (database versions not stated): TOPMed below 0.00001.

Submission:

Ambry Genetics
Classification: Uncertain significance for Cardiovascular phenotype. Last evaluated: 2024-06-23. Review status: criteria provided, single submitter. Criteria: Ambry Variant Classification Scheme 2023. Collection method: clinical testing. Allele origin: germline.
Comment: The p.K66I variant (also known as c.197A>T), located in coding exon 2 of the TBX5 gene, results from an A to T substitution at nucleotide position 197. The lysine at codon 66 is replaced by isoleucine, an amino acid with dissimilar properties. This amino acid position is conserved. In addition, this alteration is predicted to be deleterious by in silico analysis. Based on the available evidence, the clinical significance of this variant remains unclear.

NM_181486.4(TBX5):c.197A>T (p.Lys66Ile)

Gene: TBX5 (T-box transcription factor 5; minus strand). Cytogenetic location: 12q24.21.
Variant type: single nucleotide variant.
Coding change: c.197A>T on transcript NM_181486.4 (MANE Select); coding-DNA position 197, A replaced by T.
Protein change: p.Lys66Ile; replaces lysine 66 with isoleucine.
Molecular consequence: missense variant.
Genome position (GRCh38, 1-based): chr12:114,401,871, T>A on the plus strand (A>T on the coding strand, the complement: TBX5 is on the minus strand). VCF-style: chr12-114401871-T-A. GRCh37 (hg19) VCF-style: chr12-114839676-T-A.
Other names: c.197A>T, p.Lys66Ile (NM_000192.3); c.47A>T, p.Lys16Ile (NM_080717.4); short protein forms K66I, K16I.
Identifiers: ClinVar variation 3174980 (VCV003174980.2), dbSNP rs1457871803, ClinGen allele CA386863134.